The following is an entry in ClinVar:

ClinVar aggregate classification (germline): Benign. Review status: criteria provided, multiple submitters, no conflicts (2 of 4 stars). 2 submissions from 2 submitters: Benign (2). Last evaluated 2018-01-12.

Conditions:
Combined immunodeficiency due to DOCK8 deficiency (HIES2). Also called: HIES autosomal recessive; Hyper-IgE recurrent infection syndrome, autosomal recessive; HYPER-IgE RECURRENT INFECTION SYNDROME 2, AUTOSOMAL RECESSIVE; HYPER-IgE SYNDROME 2, AUTOSOMAL RECESSIVE, WITH RECURRENT INFECTIONS; DOCK8 Deficiency. Identifiers: Orphanet 217390, MedGen C4722305, MONDO:0009478, OMIM 243700.

Allele frequency attached by ClinVar (database versions not stated): gnomAD 0.01007 and 0.01074; TOPMed 0.01135; 1000 Genomes Project 0.01278; 1000 Genomes Project 30x 0.01312.

Submissions (2):

Illumina Laboratory Services, Illumina
Classification: Benign for Combined immunodeficiency due to DOCK8 deficiency. Last evaluated: 2018-01-12. Review status: criteria provided, single submitter. Criteria: ICSL Variant Classification Criteria 13 December 2019. Collection method: clinical testing. Allele origin: germline.
Comment: This variant was observed in the ICSL laboratory as part of a predisposition screen in an ostensibly healthy population. It had not been previously curated by ICSL or reported in the Human Gene Mutation Database (HGMD: prior to June 1st, 2018), and was therefore a candidate for classification through an automated scoring system. Utilizing variant allele frequency, disease prevalence and penetrance estimates, and inheritance mode, an automated score was calculated to assess if this variant is too frequent to cause the disease. Based on the score and internal cut-off values, a variant classified as benign is not then subjected to further curation. The score for this variant resulted in a classification of benign for this disease.

Breakthrough Genomics
Classification: Benign. Review status: criteria provided, single submitter. Criteria: ACMG Guidelines, 2015. Collection method: not provided. Allele origin: germline. Inheritance: Autosomal recessive inheritance. Affected: yes.

NM_203447.4(DOCK8):c.*867C>T

Gene: DOCK8 (dedicator of cytokinesis 8; plus strand). Cytogenetic location: 9p24.3.
Variant type: single nucleotide variant.
Coding change: c.*867C>T on transcript NM_203447.4 (MANE Select); 867 bases downstream of the stop codon, C replaced by T.
Molecular consequence: 3 prime UTR variant.
Genome position (GRCh38, 1-based): chr9:465,086, C>T. VCF-style: chr9-465086-C-T. GRCh37 (hg19) VCF-style: chr9-465086-C-T.
Other names: c.*867C>T (NM_001190458.2, NM_001193536.2).
Identifiers: ClinVar variation 367106 (VCV000367106.6), dbSNP rs12067, ClinGen allele CA10630268.